The following is an entry in ClinVar:

NM_001040167.2(LFNG):c.788G>A (p.Arg263His)

Gene: LFNG (LFNG O-fucosylpeptide 3-beta-N-acetylglucosaminyltransferase; plus strand). Cytogenetic location: 7p22.3.
Variant type: single nucleotide variant.
Coding change: c.788G>A on transcript NM_001040167.2 (MANE Select); coding-DNA position 788, G replaced by A.
Protein change: p.Arg263His; replaces arginine 263 with histidine.
Molecular consequence: missense variant.
Genome position (GRCh38, 1-based): chr7:2,525,737, G>A. VCF-style: chr7-2525737-G-A. GRCh37 (hg19) VCF-style: chr7-2565371-G-A.
Other names: c.788G>A, p.Arg263His (NM_001040168.2); c.575G>A, p.Arg192His (NM_001166355.2); c.401G>A, p.Arg134His (NM_002304.3); short protein forms R134H, R192H, R263H.
Identifiers: ClinVar variation 1063078 (VCV001063078.4), dbSNP rs201864741, ClinGen allele CA4127130.

ClinVar aggregate classification (germline): Uncertain significance (1 of 4 stars; one submission).

Conditions:
Spondylocostal dysostosis 3, autosomal recessive (SCDO3). Also called: LFNG-Related Spondylocostal Dysostosis, Autosomal Recessive. Identifiers: Orphanet 2311, MedGen C1853296, MONDO:0012349, OMIM 609813.

Allele frequency attached by ClinVar (database versions not stated): 1000 Genomes Project 30x 0.00016; ExAC 0.00018; ESP Exome Variant Server 0.00038.

Submission:

Labcorp Genetics (formerly Invitae), Labcorp
Classification: Uncertain significance for Spondylocostal dysostosis 3, autosomal recessive. Last evaluated: 2022-09-19. Review status: criteria provided, single submitter. Criteria: Invitae Variant Classification Sherloc (09022015). Collection method: clinical testing. Allele origin: germline.
Comment: This sequence change replaces arginine, which is basic and polar, with histidine, which is basic and polar, at codon 263 of the LFNG protein (p.Arg263His). This variant is present in population databases (rs201864741, gnomAD 0.05%). This variant has not been reported in the literature in individuals affected with LFNG-related conditions. ClinVar contains an entry for this variant (Variation ID: 1063078). Advanced modeling of protein sequence and biophysical properties (such as structural, functional, and spatial information, amino acid conservation, physicochemical variation, residue mobility, and thermodynamic stability) performed at Invitae indicates that this missense variant is not expected to disrupt LFNG protein function. In summary, the available evidence is currently insufficient to determine the role of this variant in disease. Therefore, it has been classified as a Variant of Uncertain Significance.